The following is an entry in ClinVar:

NM_001118887.2(ANGPT2):c.300T>C (p.Tyr100=)

Genes: ANGPT2 (angiopoietin 2; minus strand), MCPH1 (microcephalin 1; plus strand). Cytogenetic location: 8p23.1.
Variant type: single nucleotide variant.
Coding change: c.300T>C on transcript NM_001118887.2 (MANE Select); coding-DNA position 300, T replaced by C.
Protein change: p.Tyr100=; no amino-acid change (tyrosine 100 retained).
Molecular consequence: synonymous variant. On other transcripts: intron variant (8).
Genome position (GRCh38, 1-based): chr8:6,532,476, A>G on the plus strand (T>C on the coding strand, the complement: ANGPT2 is on the minus strand). VCF-style: chr8-6532476-A-G. GRCh37 (hg19) VCF-style: chr8-6389997-A-G.
Other names: c.300T>C, p.Tyr100= (NM_001147.3, NM_001386336.1, NM_001386337.1); c.2214+32547A>G (NM_001322042.2, NM_024596.5, NM_001363979.1 and 1 more transcripts); c.1935+77224A>G (NM_001363980.2); c.2215-12986A>G (NM_001410916.1); c.289-4800T>C (NM_001386335.1, NM_001118888.2).
Identifiers: ClinVar variation 3032006 (VCV003032006.2), dbSNP rs766306564, ClinGen allele CA4611342.

ClinVar aggregate classification (germline): Likely benign (0 of 4 stars; one submission).

Conditions:
ANGPT2-related disorder. Also called: ANGPT2-related condition.

Allele frequency attached by ClinVar (database versions not stated): TOPMed below 0.00001; ExAC 0.00001; gnomAD 0.00001; gnomAD exomes 0.00001.
gnomAD v4.1: 13 of 1,611,846 alleles (0.00081%); highest among the groups gnomAD compares: Non-Finnish European, 0.0011%; no homozygotes.

Submission:

PreventionGenetics, part of Exact Sciences
Classification: Likely benign for ANGPT2-related condition. Last evaluated: 2020-10-15. Review status: no assertion criteria provided. Collection method: clinical testing. Allele origin: germline.
Comment: This variant is classified as likely benign based on ACMG/AMP sequence variant interpretation guidelines (Richards et al. 2015 PMID: 25741868, with internal and published modifications).